The following is an entry in ClinVar:

NM_001171613.2(PREPL):c.1754-28T>C

Genes: PREPL (prolyl endopeptidase like; minus strand), SLC3A1 (solute carrier family 3 member 1; plus strand). Cytogenetic location: 2p21.
Variant type: single nucleotide variant.
Coding change: c.1754-28T>C on transcript NM_001171613.2 (MANE Select); 28 bases into the intron before coding-DNA position 1754, T replaced by C.
Molecular consequence: intron variant.
Genome position (GRCh38, 1-based): chr2:44,321,928, A>G on the plus strand (T>C on the coding strand, the complement: PREPL is on the minus strand). VCF-style: chr2-44321928-A-G. GRCh37 (hg19) VCF-style: chr2-44549067-A-G.
Other names: c.1754-28T>C (NM_001171617.1, NM_001374277.1); c.2021-28T>C (NM_001171603.1, NM_001374275.1, NM_001374276.1 and 2 more transcripts); c.1835-28T>C (NM_001042385.2); c.1823-28T>C (NM_001042386.2).
Identifiers: ClinVar variation 3778709 (VCV003778709.1).

ClinVar aggregate classification (germline): Uncertain significance (1 of 4 stars; one submission).

Conditions:
Myasthenic syndrome, congenital, 22 (CMS22). Also called: PREPL DEFICIENCY. Identifiers: MedGen C4479088, MONDO:0044299, OMIM 616224.

Submission:

Institute of Human Genetics, University of Leipzig Medical Center
Classification: Uncertain significance for Myasthenic syndrome, congenital, 22. Last evaluated: 2025-03-07. Review status: criteria provided, single submitter. Criteria: ACMG Guidelines, 2015. Collection method: clinical testing. Allele origin: inherited. Inheritance: Autosomal recessive inheritance. Affected: yes.
Comment: Criteria applied: PM2,PM3_SUP,PP3